The following is an entry in ClinVar:

NM_000083.3(CLCN1):c.395G>C (p.Ser132Thr)

Gene: CLCN1 (chloride voltage-gated channel 1; plus strand). Cytogenetic location: 7q34.
Variant type: single nucleotide variant.
Coding change: c.395G>C on transcript NM_000083.3 (MANE Select); coding-DNA position 395, G replaced by C.
Protein change: p.Ser132Thr; replaces serine 132 with threonine.
Molecular consequence: missense variant. On other transcripts: non-coding transcript variant (1).
Genome position (GRCh38, 1-based): chr7:143,320,757, G>C. VCF-style: chr7-143320757-G-C. GRCh37 (hg19) VCF-style: chr7-143017850-G-C.
Other names: c.395G>C (NM_000083.2); short protein forms S132T.
Identifiers: ClinVar variation 1697269 (VCV001697269.3), dbSNP rs775224495, ClinGen allele CA369682562.

ClinVar aggregate classification (germline): Conflicting classifications of pathogenicity. Review status: criteria provided, conflicting classifications (1 of 4 stars). 3 submissions from 3 submitters: Likely pathogenic (1); Uncertain significance (1). 1 of the submissions does not count toward it. Last evaluated 2026-01-30.

Conditions:
Congenital myotonia, autosomal dominant form (THD). Also called: THOMSEN DISEASE; Myotonia congenita autosomal dominant. Identifiers: Orphanet 614, MedGen C2936781, MONDO:0008055, OMIM 160800.
Congenital myotonia, autosomal recessive form. Also called: BECKER DISEASE; myotonia congenita, autosomal recessive; Becker Generalized Myotonia. Identifiers: Orphanet 614, MedGen C0751360, MONDO:0009715, OMIM 255700.

gnomAD v4.1: 1 of 1,613,812 alleles (0.000062%); highest among the groups gnomAD compares: South Asian, 0.0011%; no homozygotes.

Submissions (3):

Labcorp Genetics (formerly Invitae), Labcorp
Classification: Uncertain significance for Congenital myotonia, autosomal recessive form; Congenital myotonia, autosomal dominant form. Last evaluated: 2026-01-30. Review status: criteria provided, single submitter. Criteria: Invitae Variant Classification Sherloc (09022015). Collection method: clinical testing. Allele origin: germline.
Comment: This sequence change replaces serine, which is neutral and polar, with threonine, which is neutral and polar, at codon 132 of the CLCN1 protein (p.Ser132Thr). This variant is not present in population databases (gnomAD no frequency). This missense change has been observed in individual(s) with clinical features of CLCN1-related conditions (PMID: 35907044). ClinVar contains an entry for this variant (Variation ID: 1697269). Invitae Evidence Modeling of protein sequence and biophysical properties (such as structural, functional, and spatial information, amino acid conservation, physicochemical variation, residue mobility, and thermodynamic stability) indicates that this missense variant is expected to disrupt CLCN1 protein function with a positive predictive value of 95%. In summary, the available evidence is currently insufficient to determine the role of this variant in disease. Therefore, it has been classified as a Variant of Uncertain Significance.

GeneDx
Classification: Likely pathogenic. Last evaluated: 2024-09-16. Review status: criteria provided, single submitter. Criteria: GeneDx Variant Classification Process June 2021. Collection method: clinical testing. Allele origin: germline. Affected: yes.
Comment: Not observed at significant frequency in large population cohorts (gnomAD); In silico analysis supports that this missense variant has a deleterious effect on protein structure/function; This variant is associated with the following publications: (PMID: 35907044, 12390967)

Department of Neurology and Geriatrics, Kagoshima University Graduate School of Medical and Dental Sciences
Classification: Likely pathogenic for Congenital myotonia, autosomal dominant form. Last evaluated: 2022-04-06. Review status: no assertion criteria provided. Collection method: research. Allele origin: germline. Affected: yes. Not counted in ClinVar's aggregate classification.

Literature cited by the submitters: PubMed 35907044 (cited by Labcorp Genetics (formerly Invitae), Labcorp).